The following is an entry in ClinVar:

ClinVar aggregate classification (germline): Benign/Likely benign. Review status: criteria provided, multiple submitters, no conflicts (2 of 4 stars). 5 submissions from 5 submitters: Benign (2); Likely benign (3). Last evaluated 2026-01-27.

Allele frequency attached by ClinVar (database versions not stated): gnomAD exomes 0.00029 and 0.00077; ExAC 0.00094; gnomAD 0.00198; 1000 Genomes Project 0.00200; ESP Exome Variant Server 0.00208; TOPMed 0.00221; 1000 Genomes Project 30x 0.00234.
gnomAD v4.1: 771 of 1,613,476 alleles (0.048%); highest among the groups gnomAD compares: African/African-American, 0.71%; 3 homozygotes.

Submissions (5):

Labcorp Genetics (formerly Invitae), Labcorp
Classification: Benign. Last evaluated: 2026-01-27. Review status: criteria provided, single submitter. Criteria: Invitae Variant Classification Sherloc (09022015). Collection method: clinical testing. Allele origin: germline.

Blueprint Genetics
Classification: Likely benign. Last evaluated: 2024-07-31. Review status: criteria provided, single submitter. Criteria: ACMG Guidelines, 2015. Collection method: clinical testing. Allele origin: germline.

GeneDx
Classification: Likely benign. Last evaluated: 2018-01-04. Review status: criteria provided, single submitter. Criteria: GeneDx Variant Classification (06012015). Collection method: clinical testing. Allele origin: germline. Affected: yes.
Comment: This variant is considered likely benign or benign based on one or more of the following criteria: it is a conservative change, it occurs at a poorly conserved position in the protein, it is predicted to be benign by multiple in silico algorithms, and/or has population frequency not consistent with disease.

Eurofins Ntd Llc (ga)
Classification: Benign. Last evaluated: 2015-11-23. Review status: criteria provided, single submitter. Criteria: EGL Classification Definitions 2015. Collection method: clinical testing. Allele origin: germline. Observed: 1 variant allele, 1 heterozygote.

Breakthrough Genomics
Classification: Likely benign. Review status: criteria provided, single submitter. Criteria: ACMG Guidelines, 2015. Collection method: not provided. Allele origin: germline. Inheritance: Autosomal recessive inheritance. Affected: yes.

NM_001374385.1(ATP8B1):c.189A>G (p.Thr63=)

Gene: ATP8B1 (ATPase phospholipid transporting 8B1; minus strand). Cytogenetic location: 18q21.31.
Variant type: single nucleotide variant.
Coding change: c.189A>G on transcript NM_001374385.1 (MANE Select); coding-DNA position 189, A replaced by G.
Protein change: p.Thr63=; no amino-acid change (threonine 63 retained).
Molecular consequence: synonymous variant. On other transcripts: intron variant (1).
Genome position (GRCh38, 1-based): chr18:57,706,580, T>C on the plus strand (A>G on the coding strand, the complement: ATP8B1 is on the minus strand). VCF-style: chr18-57706580-T-C. GRCh37 (hg19) VCF-style: chr18-55373812-T-C.
Other names: c.189A>G, p.Thr63= (NM_005603.6); c.130-1912A>G (NM_001374386.1).
Identifiers: ClinVar variation 284722 (VCV000284722.15), dbSNP rs35377845, ClinGen allele CA8974921.